The following is an entry in ClinVar:

NM_014014.5(SNRNP200):c.338A>G (p.Tyr113Cys)

Gene: SNRNP200 (small nuclear ribonucleoprotein U5 subunit 200; minus strand). Cytogenetic location: 2q11.2.
Variant type: single nucleotide variant.
Coding change: c.338A>G on transcript NM_014014.5 (MANE Select); coding-DNA position 338, A replaced by G.
Protein change: p.Tyr113Cys; replaces tyrosine 113 with cysteine.
Molecular consequence: missense variant.
Genome position (GRCh38, 1-based): chr2:96,303,202, T>C on the plus strand (A>G on the coding strand, the complement: SNRNP200 is on the minus strand). VCF-style: chr2-96303202-T-C. GRCh37 (hg19) VCF-style: chr2-96968940-T-C.
Other names: short protein forms Y113C.
Identifiers: ClinVar variation 866065 (VCV000866065.3), dbSNP rs2063964181, ClinGen allele CA347688740.

ClinVar aggregate classification (germline): Uncertain significance. Review status: criteria provided, multiple submitters, no conflicts (2 of 4 stars). 2 submissions from 2 submitters: Uncertain significance (2). Last evaluated 2023-08-07.

Conditions:
Retinitis pigmentosa 33 (RP33). Identifiers: Orphanet 791, MedGen C1835895, MONDO:0012477, OMIM 610359.

Allele frequency attached by ClinVar (database versions not stated): gnomAD exomes below 0.00001.
gnomAD v4.1: 1 of 1,614,220 alleles (0.000062%); highest among the groups gnomAD compares: Non-Finnish European, 0.000085%; no homozygotes.

Submissions (2):

3billion
Classification: Uncertain significance for Retinitis pigmentosa 33. Last evaluated: 2023-08-07. Review status: criteria provided, single submitter. Criteria: ACMG Guidelines, 2015. Collection method: clinical testing. Allele origin: germline. Affected: yes.
Comment: The variant is not observed in the gnomAD v2.1.1 dataset. Predicted Consequence/Location: Missense changes are a common disease-causing mechanism. In silico tool predictions suggest damaging effect of the variant on gene or gene product [REVEL: 0.77 (>=0.6, sensitivity 0.68 and specificity 0.92)]. Therefore, this variant is classified as VUS according to the recommendation of ACMG/AMP guideline.

Blueprint Genetics
Classification: Uncertain significance. Last evaluated: 2021-04-08. Review status: criteria provided, single submitter. Criteria: ACMG Guidelines, 2015. Collection method: clinical testing. Allele origin: germline.